The following is an entry in ClinVar:

ClinVar aggregate classification (germline): Likely benign. Review status: criteria provided, single submitter (1 of 4 stars). 2 submissions from 2 submitters: Likely benign (1). 1 of the submissions does not count toward it. Last evaluated 2023-04-06.

Conditions:
MKS1-related disorder. Also called: MKS1-related condition; MKS1-related disorders. Identifiers: MedGen CN239382.
Joubert syndrome. Also called: JOUBERT-BOLTSHAUSER SYNDROME; Familial aplasia of the vermis. Identifiers: Orphanet 475, MedGen C5979921, MONDO:0018772.
Meckel-Gruber syndrome. Also called: DYSENCEPHALIA SPLANCHNOCYSTICA; GRUBER SYNDROME; Dysencephalia splachnocystica. Identifiers: Orphanet 564, MedGen C0265215, MONDO:0018921.

Allele frequency attached by ClinVar (database versions not stated): TOPMed below 0.00001; gnomAD 0.00001.
gnomAD v4.1: 1 of 1,614,032 alleles (0.000062%); highest among the groups gnomAD compares: Non-Finnish European, 0.000085%; no homozygotes.

Submissions (2):

Labcorp Genetics (formerly Invitae), Labcorp
Classification: Likely benign for Joubert syndrome; Meckel-Gruber syndrome. Last evaluated: 2023-04-06. Review status: criteria provided, single submitter. Criteria: Invitae Variant Classification Sherloc (09022015). Collection method: clinical testing. Allele origin: germline.

PreventionGenetics, part of Exact Sciences
Classification: Likely benign for MKS1-related condition. Last evaluated: 2023-06-07. Review status: no assertion criteria provided. Collection method: clinical testing. Allele origin: germline. Not counted in ClinVar's aggregate classification.
Comment: This variant is classified as likely benign based on ACMG/AMP sequence variant interpretation guidelines (Richards et al. 2015 PMID: 25741868, with internal and published modifications).

NM_017777.4(MKS1):c.628C>T (p.Leu210=)

Gene: MKS1 (MKS transition zone complex subunit 1; minus strand). Cytogenetic location: 17q22.
Variant type: single nucleotide variant.
Coding change: c.628C>T on transcript NM_017777.4 (MANE Select); coding-DNA position 628, C replaced by T.
Protein change: p.Leu210=; no amino-acid change (leucine 210 retained).
Molecular consequence: synonymous variant.
Genome position (GRCh38, 1-based): chr17:58,214,275, G>A on the plus strand (C>T on the coding strand, the complement: MKS1 is on the minus strand). VCF-style: chr17-58214275-G-A. GRCh37 (hg19) VCF-style: chr17-56291636-G-A.
Other names: c.628C>T (NM_017777.3); c.19C>T, p.Leu7= (NM_001321268.2); c.628C>T, p.Leu210= (NM_001321269.2, NM_001330397.2).
Identifiers: ClinVar variation 1587562 (VCV001587562.10), dbSNP rs1451406283, ClinGen allele CA501034442.